The following is an entry in ClinVar:

ClinVar aggregate classification (germline): Uncertain significance. Review status: criteria provided, multiple submitters, no conflicts (2 of 4 stars). 2 submissions from 2 submitters: Uncertain significance (2). Last evaluated 2024-12-30.

Conditions:
Gastrointestinal stromal tumor. Also called: Gastrointestinal stromal tumor, somatic; Gastrointestinal stroma tumor. Identifiers: Orphanet 44890, MedGen C0238198, MeSH D046152, MONDO:0011719, OMIM 606764, HP:0100723.
Hereditary cancer-predisposing syndrome. Also called: Hereditary Cancer Syndrome; Hereditary neoplastic syndrome; Neoplastic Syndromes, Hereditary; Tumor predisposition. Identifiers: Orphanet 140162, MedGen C0027672, MeSH D009386, MONDO:0015356.

Allele frequency attached by ClinVar (database versions not stated): gnomAD exomes below 0.00001.
gnomAD v4.1: 1 of 1,613,810 alleles (0.000062%); highest among the groups gnomAD compares: Non-Finnish European, 0.000085%; no homozygotes.

Submissions (2):

Labcorp Genetics (formerly Invitae), Labcorp
Classification: Uncertain significance for Gastrointestinal stromal tumor. Last evaluated: 2024-12-30. Review status: criteria provided, single submitter. Criteria: Invitae Variant Classification Sherloc (09022015). Collection method: clinical testing. Allele origin: germline.
Comment: This sequence change replaces glutamine, which is neutral and polar, with histidine, which is basic and polar, at codon 758 of the PDGFRA protein (p.Gln758His). This variant is not present in population databases (gnomAD no frequency). This variant has not been reported in the literature in individuals affected with PDGFRA-related conditions. ClinVar contains an entry for this variant (Variation ID: 2568095). Invitae Evidence Modeling of protein sequence and biophysical properties (such as structural, functional, and spatial information, amino acid conservation, physicochemical variation, residue mobility, and thermodynamic stability) indicates that this missense variant is not expected to disrupt PDGFRA protein function with a negative predictive value of 80%. In summary, the available evidence is currently insufficient to determine the role of this variant in disease. Therefore, it has been classified as a Variant of Uncertain Significance.

Ambry Genetics
Classification: Uncertain significance for Hereditary cancer-predisposing syndrome. Last evaluated: 2023-06-10. Review status: criteria provided, single submitter. Criteria: Ambry Variant Classification Scheme 2023. Collection method: clinical testing. Allele origin: germline.
Comment: The p.Q758H variant (also known as c.2274G>C), located in coding exon 15 of the PDGFRA gene, results from a G to C substitution at nucleotide position 2274. The glutamine at codon 758 is replaced by histidine, an amino acid with highly similar properties. This amino acid position is conserved. In addition, the in silico prediction for this alteration is inconclusive. Since supporting evidence is limited at this time, the clinical significance of this alteration remains unclear.

NM_006206.6(PDGFRA):c.2274G>C (p.Gln758His)

Gene: PDGFRA (platelet derived growth factor receptor alpha; plus strand). Cytogenetic location: 4q12.
Variant type: single nucleotide variant.
Coding change: c.2274G>C on transcript NM_006206.6 (MANE Select); coding-DNA position 2274, G replaced by C.
Protein change: p.Gln758His; replaces glutamine 758 with histidine.
Molecular consequence: missense variant.
Genome position (GRCh38, 1-based): chr4:54,280,433, G>C. VCF-style: chr4-54280433-G-C. GRCh37 (hg19) VCF-style: chr4-55146600-G-C.
Other names: c.2274G>C, p.Gln758His (NM_001347827.2, NM_001347829.2); c.2349G>C, p.Gln783His (NM_001347828.2); c.2313G>C, p.Gln771His (NM_001347830.2); short protein forms Q783H, Q758H, Q771H.
Identifiers: ClinVar variation 2568095 (VCV002568095.4), dbSNP rs2475527283, ClinGen allele CA356894456.